The following is an entry in ClinVar:

NM_025137.4(SPG11):c.1721A>G (p.His574Arg)

Gene: SPG11 (SPG11 vesicle trafficking associated, spatacsin; minus strand). Cytogenetic location: 15q21.1.
Variant type: single nucleotide variant.
Coding change: c.1721A>G on transcript NM_025137.4 (MANE Select); coding-DNA position 1721, A replaced by G.
Protein change: p.His574Arg; replaces histidine 574 with arginine.
Molecular consequence: missense variant.
Genome position (GRCh38, 1-based): chr15:44,633,519, T>C on the plus strand (A>G on the coding strand, the complement: SPG11 is on the minus strand). VCF-style: chr15-44633519-T-C. GRCh37 (hg19) VCF-style: chr15-44925717-T-C.
Other names: c.1721A>G, p.His574Arg (NM_001160227.2); short protein forms H574R.
Identifiers: ClinVar variation 466508 (VCV000466508.8), dbSNP rs1555457572, ClinGen allele CA392235195.

ClinVar aggregate classification (germline): Uncertain significance (1 of 4 stars; one submission).

Conditions:
Hereditary spastic paraplegia 11. Also called: SPASTIC PARAPLEGIA, AUTOSOMAL RECESSIVE, COMPLICATED, WITH THIN CORPUS CALLOSUM; SPASTIC PARAPLEGIA, AUTOSOMAL RECESSIVE, WITH MENTAL IMPAIRMENT AND THIN CORPUS CALLOSUM; Nakamura Osame syndrome; Autosomal recessive hereditary spastic paraplegia, mental impairment, and thin corpus callosum; Spastic paraplegia, mental retardation and thin corpus callosum; Spastic Paraplegia 11. Identifiers: Orphanet 2822, MedGen C1858479, MONDO:0011445, OMIM 604360.

Allele frequency attached by ClinVar (database versions not stated): gnomAD exomes below 0.00001.
gnomAD v4.1: 1 of 1,596,814 alleles (0.000063%); highest among the groups gnomAD compares: Non-Finnish European, 0.000086%; no homozygotes.

Submission:

Labcorp Genetics (formerly Invitae), Labcorp
Classification: Uncertain significance for Hereditary spastic paraplegia 11. Last evaluated: 2017-06-08. Review status: criteria provided, single submitter. Criteria: Invitae Variant Classification Sherloc (09022015). Collection method: clinical testing. Allele origin: germline.
Comment: In summary, this variant has uncertain impact on SPG11 function. The available evidence is currently insufficient to determine its role in disease. Therefore, it has been classified as a Variant of Uncertain Significance. Algorithms developed to predict the effect of missense changes on protein structure and function (SIFT, PolyPhen-2, Align-GVGD) all suggest that this variant is likely to be tolerated, but these predictions have not been confirmed by published functional studies and their clinical significance is uncertain. This variant has not been reported in the literature in individuals with a SPG11-related disease. This variant is not present in population databases (ExAC no frequency). This sequence change replaces histidine with arginine at codon 574 of the SPG11 protein (p.His574Arg). The histidine residue is moderately conserved and there is a small physicochemical difference between histidine and arginine.